The following is an entry in ClinVar:

NM_000059.4(BRCA2):c.2965T>A (p.Tyr989Asn)

Gene: BRCA2 (BRCA2 DNA repair associated; plus strand). Cytogenetic location: 13q13.1.
Variant type: single nucleotide variant.
Coding change: c.2965T>A on transcript NM_000059.4 (MANE Select); coding-DNA position 2965, T replaced by A.
Protein change: p.Tyr989Asn; replaces tyrosine 989 with asparagine.
Molecular consequence: missense variant. On other transcripts: non-coding transcript variant (1), intron variant (2).
Genome position (GRCh38, 1-based): chr13:32,337,320, T>A. VCF-style: chr13-32337320-T-A. GRCh37 (hg19) VCF-style: chr13-32911457-T-A.
Other names: c.2965T>A, p.Tyr989Asn (NM_001406719.1, NM_001406720.1); c.1909+3933T>A (NM_001406721.1); c.424+6290T>A (NM_001406722.1); short protein forms Y989N.
Identifiers: ClinVar variation 2857349 (VCV002857349.3), dbSNP rs80358542, ClinGen allele CA387774488.

ClinVar aggregate classification (germline): Uncertain significance (1 of 4 stars; one submission).

Conditions:
Hereditary breast ovarian cancer syndrome. Also called: Hereditary breast and ovarian cancer syndrome (HBOC); Hereditary breast and ovarian cancer syndrome; Hereditary breast and/or ovarian cancer syndrome; Hereditary breast and ovarian cancer; Breast and ovarian cancer; BRCA1- and BRCA2-Associated Hereditary Breast and Ovarian Cancer. Identifiers: Orphanet 145, MedGen C0677776, MeSH D061325, MONDO:0003582. Disease mechanism: loss of function.

Submission:

Labcorp Genetics (formerly Invitae), Labcorp
Classification: Uncertain significance for Hereditary breast ovarian cancer syndrome. Last evaluated: 2023-04-18. Review status: criteria provided, single submitter. Criteria: Invitae Variant Classification Sherloc (09022015). Collection method: clinical testing. Allele origin: germline.
Comment: In summary, the available evidence is currently insufficient to determine the role of this variant in disease. Therefore, it has been classified as a Variant of Uncertain Significance. Advanced modeling of protein sequence and biophysical properties (such as structural, functional, and spatial information, amino acid conservation, physicochemical variation, residue mobility, and thermodynamic stability) performed at Invitae indicates that this missense variant is not expected to disrupt BRCA2 protein function. This variant has not been reported in the literature in individuals affected with BRCA2-related conditions. This variant is not present in population databases (gnomAD no frequency). This sequence change replaces tyrosine, which is neutral and polar, with asparagine, which is neutral and polar, at codon 989 of the BRCA2 protein (p.Tyr989Asn).